The following is an entry in ClinVar:

ClinVar aggregate classification (germline): Uncertain significance (1 of 4 stars; one submission).

Allele frequency attached by ClinVar (database versions not stated): gnomAD exomes below 0.00001; TOPMed 0.00001.

Submission:

Labcorp Genetics (formerly Invitae), Labcorp
Classification: Uncertain significance. Last evaluated: 2019-07-23. Review status: criteria provided, single submitter. Criteria: Invitae Variant Classification Sherloc (09022015). Collection method: clinical testing. Allele origin: germline.
Comment: In summary, the available evidence is currently insufficient to determine the role of this variant in disease. Therefore, it has been classified as a Variant of Uncertain Significance. Algorithms developed to predict the effect of missense changes on protein structure and function output the following: SIFT: "Tolerated"; PolyPhen-2: "Not Available"; Align-GVGD: "Class C0". The glutamic acid amino acid residue is found in multiple mammalian species, suggesting that this missense change does not adversely affect protein function. These predictions have not been confirmed by published functional studies and their clinical significance is uncertain. This variant has not been reported in the literature in individuals with NEFH-related conditions. This variant is not present in population databases (ExAC no frequency). This sequence change replaces glycine with glutamic acid at codon 488 of the NEFH protein (p.Gly488Glu). The glycine residue is weakly conserved and there is a moderate physicochemical difference between glycine and glutamic acid.

NM_021076.4(NEFH):c.1463G>A (p.Gly488Glu)

Gene: NEFH (neurofilament heavy chain; plus strand). Cytogenetic location: 22q12.2.
Variant type: single nucleotide variant.
Coding change: c.1463G>A on transcript NM_021076.4 (MANE Select); coding-DNA position 1463, G replaced by A.
Protein change: p.Gly488Glu; replaces glycine 488 with glutamic acid.
Molecular consequence: missense variant.
Genome position (GRCh38, 1-based): chr22:29,489,103, G>A. VCF-style: chr22-29489103-G-A. GRCh37 (hg19) VCF-style: chr22-29885092-G-A.
Other names: short protein forms G488E.
Identifiers: ClinVar variation 956117 (VCV000956117.9), dbSNP rs1052567626, ClinGen allele CA411130221.